The following is an entry in ClinVar:

NM_016938.5(EFEMP2):c.1071C>T (p.Pro357=)

Gene: EFEMP2 (EGF-like fibulin extracellular matrix protein 2; minus strand). Cytogenetic location: 11q13.1.
Variant type: single nucleotide variant.
Coding change: c.1071C>T on transcript NM_016938.5 (MANE Select); coding-DNA position 1071, C replaced by T.
Protein change: p.Pro357=; no amino-acid change (proline 357 retained).
Molecular consequence: synonymous variant. On other transcripts: non-coding transcript variant (1).
Genome position (GRCh38, 1-based): chr11:65,867,960, G>A on the plus strand (C>T on the coding strand, the complement: EFEMP2 is on the minus strand). VCF-style: chr11-65867960-G-A. GRCh37 (hg19) VCF-style: chr11-65635431-G-A.
Identifiers: ClinVar variation 1783537 (VCV001783537.6), dbSNP rs746751497, ClinGen allele CA6110421.

ClinVar aggregate classification (germline): Likely benign. Review status: criteria provided, multiple submitters, no conflicts (2 of 4 stars). 3 submissions from 3 submitters: Likely benign (2). 1 of the submissions does not count toward it. Last evaluated 2023-12-25.

Conditions:
EFEMP2-related disorder. Also called: EFEMP2-related condition.
Cardiovascular phenotype. Identifiers: MedGen CN230736.
Cutis laxa, autosomal recessive, type 1B (ARCL1B). Also called: CUTIS LAXA, AUTOSOMAL RECESSIVE, TYPE IB; EFEMP2-Related Cutis Laxa. Identifiers: Orphanet 90349, MedGen C3280798, MONDO:0013754, OMIM 614437. Disease mechanism: loss of function.

Allele frequency attached by ClinVar (database versions not stated): ExAC 0.00001; gnomAD 0.00003; TOPMed 0.00004.
gnomAD v4.1: 14 of 1,613,998 alleles (0.00087%); highest among the groups gnomAD compares: South Asian, 0.011%; no homozygotes.

Submissions (3):

Labcorp Genetics (formerly Invitae), Labcorp
Classification: Likely benign for Cutis laxa, autosomal recessive, type 1B. Last evaluated: 2023-12-25. Review status: criteria provided, single submitter. Criteria: Invitae Variant Classification Sherloc (09022015). Collection method: clinical testing. Allele origin: germline.

Ambry Genetics
Classification: Likely benign for Cardiovascular phenotype. Last evaluated: 2020-07-17. Review status: criteria provided, single submitter. Criteria: Ambry Variant Classification Scheme 2023. Collection method: clinical testing. Allele origin: germline.

PreventionGenetics, part of Exact Sciences
Classification: Likely benign for EFEMP2-related condition. Last evaluated: 2024-04-11. Review status: no assertion criteria provided. Collection method: clinical testing. Allele origin: germline. Not counted in ClinVar's aggregate classification.
Comment: This variant is classified as likely benign based on ACMG/AMP sequence variant interpretation guidelines (Richards et al. 2015 PMID: 25741868, with internal and published modifications).